The following is an entry in ClinVar:

ClinVar aggregate classification (germline): Uncertain significance. Review status: criteria provided, multiple submitters, no conflicts (2 of 4 stars). 2 submissions from 2 submitters: Uncertain significance (2). Last evaluated 2025-01-16.

Conditions:
Hereditary cancer-predisposing syndrome. Also called: Tumor predisposition; Hereditary Cancer Syndrome; Neoplastic Syndromes, Hereditary; Hereditary neoplastic syndrome. Identifiers: Orphanet 140162, MedGen C0027672, MeSH D009386, MONDO:0015356.
Tuberous sclerosis 2 (TSC2). Identifiers: Orphanet 805, MedGen C1860707, MONDO:0013199, OMIM 613254.

Submissions (2):

Ambry Genetics
Classification: Uncertain significance for Hereditary cancer-predisposing syndrome. Last evaluated: 2025-01-16. Review status: criteria provided, single submitter. Criteria: Ambry Variant Classification Scheme 2023. Collection method: clinical testing. Allele origin: germline.
Comment: The p.V1725L variant (also known as c.5173G>T), located in coding exon 40 of the TSC2 gene, results from a G to T substitution at nucleotide position 5173. The valine at codon 1725 is replaced by leucine, an amino acid with highly similar properties. This amino acid position is highly conserved in available vertebrate species. In addition, this alteration is predicted to be deleterious by in silico analysis. Based on the available evidence, the clinical significance of this variant remains unclear.

Labcorp Genetics (formerly Invitae), Labcorp
Classification: Uncertain significance for Tuberous sclerosis 2. Last evaluated: 2022-04-05. Review status: criteria provided, single submitter. Criteria: Invitae Variant Classification Sherloc (09022015). Collection method: clinical testing. Allele origin: germline.
Comment: In summary, the available evidence is currently insufficient to determine the role of this variant in disease. Therefore, it has been classified as a Variant of Uncertain Significance. Algorithms developed to predict the effect of sequence changes on RNA splicing suggest that this variant may disrupt the consensus splice site. This sequence change replaces valine, which is neutral and non-polar, with leucine, which is neutral and non-polar, at codon 1725 of the TSC2 protein (p.Val1725Leu). This variant is not present in population databases (gnomAD no frequency). This variant has not been reported in the literature in individuals affected with TSC2-related conditions. Algorithms developed to predict the effect of missense changes on protein structure and function are either unavailable or do not agree on the potential impact of this missense change (SIFT: "Deleterious"; PolyPhen-2: "Probably Damaging"; Align-GVGD: "Class C0").

NM_000548.5(TSC2):c.5173G>T (p.Val1725Leu)

Gene: TSC2 (TSC complex subunit 2; plus strand). Cytogenetic location: 16p13.3.
Variant type: single nucleotide variant.
Coding change: c.5173G>T on transcript NM_000548.5 (MANE Select); coding-DNA position 5173, G replaced by T.
Protein change: p.Val1725Leu; replaces valine 1725 with leucine.
Molecular consequence: missense variant.
Genome position (GRCh38, 1-based): chr16:2,088,239, G>T. VCF-style: chr16-2088239-G-T. GRCh37 (hg19) VCF-style: chr16-2138240-G-T.
Other names: c.4954G>T, p.Val1652Leu (NM_001406676.1); c.4915G>T, p.Val1639Leu (NM_001406677.1); c.4861G>T, p.Val1621Leu (NM_001406678.1); c.4825G>T, p.Val1609Leu (NM_001406679.1); c.4573G>T, p.Val1525Leu (NM_001406680.1); c.4513G>T, p.Val1505Leu (NM_001406681.1); c.4504G>T, p.Val1502Leu (NM_001406682.1, NM_001406683.1); c.4501G>T, p.Val1501Leu (NM_001406684.1); and 27 more; short protein forms V1210L, V1234L, V1505L, V1525L, V1609L, V1610L, V1658L, V1659L.
Identifiers: ClinVar variation 2121729 (VCV002121729.7), dbSNP rs2151628159, ClinGen allele CA394314002.
Genomic context (GRCh38, chr16:2,088,239, plus strand): 5'-GCCCAGGTGCCACCTGATAGTGAGCTCACCCCCTGCCTACGTCCCCAGATGGCCTCACAG[G>T]TGCATCATAGCCGCTCCAACCCCACCGATATCTACCCCTCCAAGTGGATTGCCCGGCTCC-3'
Protein context (NP_000539.2, residues 1715-1735): MALHANMASQ[Val1725Leu]HHSRSNPTDI